The following is an entry in ClinVar:

ClinVar aggregate classification (germline): Benign. Review status: criteria provided, multiple submitters, no conflicts (2 of 4 stars). 7 submissions from 7 submitters: Benign (7). Last evaluated 2026-01-27.

Conditions:
Multiple cutaneous and mucosal venous malformations (VMCM). Also called: TEK-Related Multiple Cutaneous and Mucosal Venous Malformations (VMCM). Identifiers: Orphanet 2451, MedGen C1838437, MONDO:0010842, OMIM 600195.

Allele frequency attached by ClinVar (database versions not stated): gnomAD exomes 0.04591 and 0.05342; ExAC 0.05735; gnomAD 0.06507 and 0.06593; TOPMed 0.06857; ESP Exome Variant Server 0.07497; 1000 Genomes Project 0.07867; 1000 Genomes Project 30x 0.07917.
gnomAD v4.1: 77,618 of 1,613,842 alleles (4.8%); highest among the groups gnomAD compares: African/African-American, 13%; 2,771 homozygotes.

Submissions (7):

Labcorp Genetics (formerly Invitae), Labcorp
Classification: Benign. Last evaluated: 2026-01-27. Review status: criteria provided, single submitter. Criteria: Invitae Variant Classification Sherloc (09022015). Collection method: clinical testing. Allele origin: germline.

ARUP Laboratories, Molecular Genetics and Genomics, ARUP Laboratories
Classification: Benign. Last evaluated: 2025-07-07. Review status: criteria provided, single submitter. Criteria: ARUP Molecular Germline Variant Investigation Process 2024. Collection method: clinical testing. Allele origin: germline.

Blueprint Genetics
Classification: Benign. Last evaluated: 2024-11-27. Review status: criteria provided, single submitter. Criteria: ACMG Guidelines, 2015. Collection method: clinical testing. Allele origin: germline.

Mayo Clinic Laboratories, Mayo Clinic
Classification: Benign. Last evaluated: 2022-04-26. Review status: criteria provided, single submitter. Criteria: ACMG Guidelines, 2015. Collection method: clinical testing. Allele origin: germline. Observed: 86 variant alleles.

GeneDx
Classification: Benign. Last evaluated: 2021-05-05. Review status: criteria provided, single submitter. Criteria: GeneDx Variant Classification Process June 2021. Collection method: clinical testing. Allele origin: germline. Affected: yes.

Illumina Laboratory Services, Illumina
Classification: Benign for Multiple cutaneous and mucosal venous malformations. Last evaluated: 2018-01-12. Review status: criteria provided, single submitter. Criteria: ICSL Variant Classification Criteria 13 December 2019. Collection method: clinical testing. Allele origin: germline.
Comment: This variant was observed in the ICSL laboratory as part of a predisposition screen in an ostensibly healthy population. It had not been previously curated by ICSL or reported in the Human Gene Mutation Database (HGMD: prior to June 1st, 2018), and was therefore a candidate for classification through an automated scoring system. Utilizing variant allele frequency, disease prevalence and penetrance estimates, and inheritance mode, an automated score was calculated to assess if this variant is too frequent to cause the disease. Based on the score and internal cut-off values, a variant classified as benign is not then subjected to further curation. The score for this variant resulted in a classification of benign for this disease.

Breakthrough Genomics
Classification: Benign. Review status: criteria provided, single submitter. Criteria: ACMG Guidelines, 2015. Collection method: not provided. Allele origin: germline. Inheritance: Autosomal dominant inheritance. Affected: yes.

NM_000459.5(TEK):c.1456G>A (p.Val486Ile)

Gene: TEK (TEK receptor tyrosine kinase; plus strand). Cytogenetic location: 9p21.2.
Variant type: single nucleotide variant.
Coding change: c.1456G>A on transcript NM_000459.5 (MANE Select); coding-DNA position 1456, G replaced by A.
Protein change: p.Val486Ile; replaces valine 486 with isoleucine.
Molecular consequence: missense variant.
Genome position (GRCh38, 1-based): chr9:27,190,657, G>A. VCF-style: chr9-27190657-G-A. GRCh37 (hg19) VCF-style: chr9-27190655-G-A.
Other names: c.1456G>A (NM_000459.4); c.1327G>A, p.Val443Ile (NM_001290077.2, NM_001375476.1); c.1015G>A, p.Val339Ile (NM_001290078.2); c.1456G>A, p.Val486Ile (NM_001375475.1); short protein forms V486I, V339I, V443I.
Identifiers: ClinVar variation 366425 (VCV000366425.30), dbSNP rs1334811, ClinGen allele CA5016235.